The following is an entry in ClinVar:

NM_001376.5(DYNC1H1):c.5204C>T (p.Pro1735Leu)

Gene: DYNC1H1 (dynein cytoplasmic 1 heavy chain 1; plus strand). Cytogenetic location: 14q32.31.
Variant type: single nucleotide variant.
Coding change: c.5204C>T on transcript NM_001376.5 (MANE Select); coding-DNA position 5204, C replaced by T.
Protein change: p.Pro1735Leu; replaces proline 1735 with leucine.
Molecular consequence: missense variant.
Genome position (GRCh38, 1-based): chr14:102,004,916, C>T. VCF-style: chr14-102004916-C-T. GRCh37 (hg19) VCF-style: chr14-102471253-C-T.
Other names: short protein forms P1735L.
Identifiers: ClinVar variation 3392905 (VCV003392905.1).

ClinVar aggregate classification (germline): Uncertain significance (1 of 4 stars; one submission).

Submission:

GeneDx
Classification: Uncertain significance. Last evaluated: 2024-06-26. Review status: criteria provided, single submitter. Criteria: GeneDx Variant Classification Process June 2021. Collection method: clinical testing. Allele origin: germline. Affected: yes.
Comment: Not observed at significant frequency in large population cohorts (gnomAD); In silico analysis supports that this missense variant has a deleterious effect on protein structure/function; Has not been previously published as pathogenic or benign to our knowledge; This variant is associated with the following publications: (PMID: 25512093, 25609763, 26100331)